The following is an entry in ClinVar:

ClinVar aggregate classification (germline): Benign/Likely benign. Review status: criteria provided, multiple submitters, no conflicts (2 of 4 stars). 5 submissions from 5 submitters: Benign (1); Likely benign (4). Last evaluated 2025-05-23.

Conditions:
Hereditary cancer-predisposing syndrome. Also called: Neoplastic Syndromes, Hereditary; Tumor predisposition; Hereditary Cancer Syndrome; Hereditary neoplastic syndrome. Identifiers: Orphanet 140162, MedGen C0027672, MeSH D009386, MONDO:0015356.
Familial adenomatous polyposis 1 (FAP1). Also called: FAMILIAL ADENOMATOUS POLYPOSIS 1, ATTENUATED; POLYPOSIS, ADENOMATOUS INTESTINAL. Identifiers: MedGen C2713442, MONDO:0021056, OMIM 175100. Disease mechanism: loss of function.

Submissions (5):

Labcorp Genetics (formerly Invitae), Labcorp
Classification: Likely benign for Familial adenomatous polyposis 1. Last evaluated: 2025-05-23. Review status: criteria provided, single submitter. Criteria: Invitae Variant Classification Sherloc (09022015). Collection method: clinical testing. Allele origin: germline.

Myriad Genetics, Inc.
Classification: Benign for Familial adenomatous polyposis 1. Last evaluated: 2024-04-03. Review status: criteria provided, single submitter. Criteria: Myriad Autosomal Dominant, Autosomal Recessive and X-Linked Classification Criteria (2023). Collection method: clinical testing. Allele origin: unknown.
Comment: This variant is considered benign. This variant is a silent/synonymous amino acid change and it is not expected to impact splicing.

GeneDx
Classification: Likely benign. Last evaluated: 2020-07-10. Review status: criteria provided, single submitter. Criteria: GeneDx Variant Classification Process June 2021. Collection method: clinical testing. Allele origin: germline. Affected: yes.

Color Diagnostics, LLC DBA Color Health
Classification: Likely benign for Hereditary cancer-predisposing syndrome. Last evaluated: 2018-04-13. Review status: criteria provided, single submitter. Criteria: ACMG Guidelines, 2015. Collection method: clinical testing. Allele origin: germline.

Ambry Genetics
Classification: Likely benign for Hereditary cancer-predisposing syndrome. Last evaluated: 2015-01-29. Review status: criteria provided, single submitter. Criteria: Ambry Variant Classification Scheme 2023. Collection method: clinical testing. Allele origin: germline.

NM_000038.6(APC):c.6006T>G (p.Pro2002=)

Gene: APC (APC regulator of Wnt signaling pathway; plus strand). Cytogenetic location: 5q22.2.
Variant type: single nucleotide variant.
Coding change: c.6006T>G on transcript NM_000038.6 (MANE Select); coding-DNA position 6006, T replaced by G.
Protein change: p.Pro2002=; no amino-acid change (proline 2002 retained).
Molecular consequence: synonymous variant.
Genome position (GRCh38, 1-based): chr5:112,841,600, T>G. VCF-style: chr5-112841600-T-G. GRCh37 (hg19) VCF-style: chr5-112177297-T-G.
Other names: c.6006T>G, p.Pro2002= (NM_001127510.3, NM_001354895.2); c.5952T>G, p.Pro1984= (NM_001127511.3); c.6060T>G, p.Pro2020= (NM_001354896.2); c.6036T>G, p.Pro2012= (NM_001354897.2); c.5931T>G, p.Pro1977= (NM_001354898.2); c.5922T>G, p.Pro1974= (NM_001354899.2); c.5883T>G, p.Pro1961= (NM_001354900.2); c.5829T>G, p.Pro1943= (NM_001354901.2); and 5 more.
Identifiers: ClinVar variation 230342 (VCV000230342.20), dbSNP rs876658513, ClinGen allele CA10578417.